The following is an entry in ClinVar:

ClinVar aggregate classification (germline): Uncertain significance (1 of 4 stars; one submission).

Conditions:
3-methylcrotonyl-CoA carboxylase 1 deficiency (MCC1D). Also called: MCCD TYPE 1; METHYLCROTONYLGLYCINURIA TYPE I; MCC 1 deficiency; 3 Alpha methylcrotonylglycinuria 1. Identifiers: Orphanet 6, MedGen CN028786, MONDO:0008861, OMIM 210200.

Submission:

Labcorp Genetics (formerly Invitae), Labcorp
Classification: Uncertain significance for 3-methylcrotonyl-CoA carboxylase 1 deficiency. Last evaluated: 2024-11-05. Review status: criteria provided, single submitter. Criteria: Invitae Variant Classification Sherloc (09022015). Collection method: clinical testing. Allele origin: germline.
Comment: This sequence change replaces leucine, which is neutral and non-polar, with proline, which is neutral and non-polar, at codon 473 of the MCCC1 protein (p.Leu473Pro). This variant is not present in population databases (gnomAD no frequency). This variant has not been reported in the literature in individuals affected with MCCC1-related conditions. ClinVar contains an entry for this variant (Variation ID: 1911868). Invitae Evidence Modeling of protein sequence and biophysical properties (such as structural, functional, and spatial information, amino acid conservation, physicochemical variation, residue mobility, and thermodynamic stability) indicates that this missense variant is expected to disrupt MCCC1 protein function with a positive predictive value of 95%. In summary, the available evidence is currently insufficient to determine the role of this variant in disease. Therefore, it has been classified as a Variant of Uncertain Significance.

NM_020166.5(MCCC1):c.1418T>C (p.Leu473Pro)

Gene: MCCC1 (methylcrotonyl-CoA carboxylase subunit 1; minus strand). Cytogenetic location: 3q27.1.
Variant type: single nucleotide variant.
Coding change: c.1418T>C on transcript NM_020166.5 (MANE Select); coding-DNA position 1418, T replaced by C.
Protein change: p.Leu473Pro; replaces leucine 473 with proline.
Molecular consequence: missense variant. On other transcripts: non-coding transcript variant (1).
Genome position (GRCh38, 1-based): chr3:183,037,394, A>G on the plus strand (T>C on the coding strand, the complement: MCCC1 is on the minus strand). VCF-style: chr3-183037394-A-G. GRCh37 (hg19) VCF-style: chr3-182755182-A-G.
Other names: c.1067T>C, p.Leu356Pro (NM_001293273.2); c.1091T>C, p.Leu364Pro (NM_001363880.1); short protein forms L356P, L473P, L364P.
Identifiers: ClinVar variation 1911868 (VCV001911868.5), dbSNP rs2530129829, ClinGen allele CA355320919.